The following is an entry in ClinVar:

NM_016138.5(COQ7):c.252+147G>A

Gene: COQ7 (coenzyme Q7, hydroxylase; plus strand). Cytogenetic location: 16p12.3.
Variant type: single nucleotide variant.
Coding change: c.252+147G>A on transcript NM_016138.5 (MANE Select); 147 bases into the intron after coding-DNA position 252, G replaced by A.
Molecular consequence: intron variant.
Genome position (GRCh38, 1-based): chr16:19,072,253, G>A. VCF-style: chr16-19072253-G-A. GRCh37 (hg19) VCF-style: chr16-19083575-G-A.
Other names: c.252+147G>A (NM_001370490.1); c.138+147G>A (NM_001370494.1, NM_001190983.2, NM_001370495.1 and 2 more transcripts); c.210+147G>A (NM_001370489.1, NM_001370491.1).
Identifiers: ClinVar variation 674115 (VCV000674115.1), dbSNP rs75840932, ClinGen allele CA278723144.

ClinVar aggregate classification (germline): Likely benign (1 of 4 stars; one submission).

Allele frequency attached by ClinVar (database versions not stated): gnomAD exomes 0.00028; 1000 Genomes Project 0.00240; 1000 Genomes Project 30x 0.00250; gnomAD 0.00285 and 0.00312; TOPMed 0.00335.
gnomAD v4.1: 639 of 861,358 alleles (0.074%); highest among the groups gnomAD compares: African/African-American, 0.98%; 6 homozygotes.

Submission:

GeneDx
Classification: Likely benign. Last evaluated: 2018-06-19. Review status: criteria provided, single submitter. Criteria: GeneDx Variant Classification (06012015). Collection method: clinical testing. Allele origin: germline. Affected: yes.
Comment: This variant is considered likely benign or benign based on one or more of the following criteria: it is a conservative change, it occurs at a poorly conserved position in the protein, it is predicted to be benign by multiple in silico algorithms, and/or has population frequency not consistent with disease.